The following is an entry in ClinVar:

NM_003742.4(ABCB11):c.1092C>T (p.Leu364=)

Gene: ABCB11 (ATP binding cassette subfamily B member 11; minus strand). Cytogenetic location: 2q31.1.
Variant type: single nucleotide variant.
Coding change: c.1092C>T on transcript NM_003742.4 (MANE Select); coding-DNA position 1092, C replaced by T.
Protein change: p.Leu364=; no amino-acid change (leucine 364 retained).
Molecular consequence: synonymous variant.
Genome position (GRCh38, 1-based): chr2:168,979,971, G>A on the plus strand (C>T on the coding strand, the complement: ABCB11 is on the minus strand). VCF-style: chr2-168979971-G-A. GRCh37 (hg19) VCF-style: chr2-169836481-G-A.
Identifiers: ClinVar variation 795712 (VCV000795712.13), dbSNP rs373048820, ClinGen allele CA1951689.

ClinVar aggregate classification (germline): Likely benign. Review status: criteria provided, multiple submitters, no conflicts (2 of 4 stars). 3 submissions from 3 submitters: Likely benign (2). 1 of the submissions does not count toward it. Last evaluated 2026-09-01.

Conditions:
ABCB11-related disorder. Also called: ABCB11-related condition.

Allele frequency attached by ClinVar (database versions not stated): TOPMed 0.00004; gnomAD 0.00005; gnomAD exomes 0.00006 and 0.00007; ExAC 0.00007; ESP Exome Variant Server 0.00008.
gnomAD v4.1: 111 of 1,597,344 alleles (0.0069%); highest among the groups gnomAD compares: Non-Finnish European, 0.0087%; no homozygotes.

Submissions (3):

CeGaT Center for Human Genetics Tuebingen
Classification: Likely benign. Last evaluated: 2026-09-01. Review status: criteria provided, single submitter. Criteria: CeGaT Center For Human Genetics Tuebingen Variant Classification Criteria Version 2. Collection method: clinical testing. Allele origin: germline. Affected: yes. Observed: 1 variant allele.
Comment: ABCB11: BP4, BP7

Labcorp Genetics (formerly Invitae), Labcorp
Classification: Likely benign. Last evaluated: 2024-03-21. Review status: criteria provided, single submitter. Criteria: Invitae Variant Classification Sherloc (09022015). Collection method: clinical testing. Allele origin: germline.

PreventionGenetics, part of Exact Sciences
Classification: Likely benign for ABCB11-related condition. Last evaluated: 2023-05-16. Review status: no assertion criteria provided. Collection method: clinical testing. Allele origin: germline. Not counted in ClinVar's aggregate classification.
Comment: This variant is classified as likely benign based on ACMG/AMP sequence variant interpretation guidelines (Richards et al. 2015 PMID: 25741868, with internal and published modifications).